The following is an entry in ClinVar:

NM_001197104.2(KMT2A):c.4449C>G (p.His1483Gln)

Gene: KMT2A (lysine methyltransferase 2A; plus strand). Cytogenetic location: 11q23.3.
Variant type: single nucleotide variant.
Coding change: c.4449C>G on transcript NM_001197104.2 (MANE Select); coding-DNA position 4449, C replaced by G.
Protein change: p.His1483Gln; replaces histidine 1483 with glutamine.
Molecular consequence: missense variant.
Genome position (GRCh38, 1-based): chr11:118,488,730, C>G. VCF-style: chr11-118488730-C-G. GRCh37 (hg19) VCF-style: chr11-118359445-C-G.
Other names: c.4548C>G, p.His1516Gln (NM_001412597.1); c.4449C>G, p.His1483Gln (NM_005933.4); short protein forms H1483Q, H1516Q.
Identifiers: ClinVar variation 4800533 (VCV004800533.1).

ClinVar aggregate classification (germline): Uncertain significance (1 of 4 stars; one submission).

Submission:

Labcorp Genetics (formerly Invitae), Labcorp
Classification: Uncertain significance. Last evaluated: 2025-04-17. Review status: criteria provided, single submitter. Criteria: Invitae Variant Classification Sherloc (09022015). Collection method: clinical testing. Allele origin: germline.
Comment: This sequence change replaces histidine, which is basic and polar, with glutamine, which is neutral and polar, at codon 1483 of the KMT2A protein (p.His1483Gln). This variant is not present in population databases (gnomAD no frequency). This variant has not been reported in the literature in individuals affected with KMT2A-related conditions. Invitae Evidence Modeling of protein sequence and biophysical properties (such as structural, functional, and spatial information, amino acid conservation, physicochemical variation, residue mobility, and thermodynamic stability) indicates that this missense variant is not expected to disrupt KMT2A protein function with a negative predictive value of 95%. Algorithms developed to predict the effect of sequence changes on RNA splicing suggest that this variant may disrupt the consensus splice site. In summary, the available evidence is currently insufficient to determine the role of this variant in disease. Therefore, it has been classified as a Variant of Uncertain Significance.